The following is an entry in ClinVar:

ClinVar aggregate classification (germline): Uncertain significance (0 of 4 stars; one submission).

Conditions:
PCSK1-related disorder. Also called: PCSK1-related condition.

gnomAD v4.1: 46 of 1,612,294 alleles (0.0029%); highest among the groups gnomAD compares: South Asian, 0.037%; no homozygotes.

Submission:

PreventionGenetics, part of Exact Sciences
Classification: Uncertain significance for PCSK1-related condition. Last evaluated: 2024-03-28. Review status: no assertion criteria provided. Collection method: clinical testing. Allele origin: germline.
Comment: The PCSK1 c.1097C>T variant is predicted to result in the amino acid substitution p.Thr366Met. This variant was observed in a cohort of obese individuals, and in vitro functional studies show inconclusive evidence of loss of function (Table 3 and Supplemental Data Set, Shah et al. 2023. PubMed ID: 36864747; Table 1, Folon et al. 2023. PubMed ID: 36822744). This variant is reported in 0.029% of alleles in individuals of South Asian descent in gnomAD. At this time, the clinical significance of this variant is uncertain due to the absence of conclusive functional and genetic evidence.

NM_000439.5(PCSK1):c.1097C>T (p.Thr366Met)

Genes: CAST (calpastatin; plus strand), PCSK1 (proprotein convertase subtilisin/kexin type 1; minus strand), LOC101929710 (uncharacterized LOC101929710; plus strand). Cytogenetic location: 5q15.
Variant type: single nucleotide variant.
Coding change: c.1097C>T on transcript NM_000439.5 (MANE Select); coding-DNA position 1097, C replaced by T.
Protein change: p.Thr366Met; replaces threonine 366 with methionine.
Molecular consequence: missense variant. On other transcripts: intron variant (11).
Genome position (GRCh38, 1-based): chr5:96,408,322, G>A on the plus strand (C>T on the coding strand, the complement: PCSK1 is on the minus strand). VCF-style: chr5-96408322-G-A. GRCh37 (hg19) VCF-style: chr5-95744026-G-A.
Other names: c.956C>T, p.Thr319Met (NM_001177875.2); c.-175+28670G>A (NM_001423254.1, NM_001423259.1, NM_001423255.1 and 6 more transcripts); c.-103+28670G>A (NM_001423253.1); c.-40+28670G>A (NM_001423258.1); short protein forms T319M, T366M.
Identifiers: ClinVar variation 3355375 (VCV003355375.1).